The following is an entry in ClinVar:

ClinVar aggregate classification (germline): Uncertain significance (1 of 4 stars; one submission).

Allele frequency attached by ClinVar (database versions not stated): ExAC 0.00002; gnomAD 0.00002; gnomAD exomes 0.00003; TOPMed 0.00003.
gnomAD v4.1: 46 of 1,613,644 alleles (0.0029%); highest among the groups gnomAD compares: Non-Finnish European, 0.0036%; no homozygotes.

Submission:

Labcorp Genetics (formerly Invitae), Labcorp
Classification: Uncertain significance. Last evaluated: 2025-10-02. Review status: criteria provided, single submitter. Criteria: Invitae Variant Classification Sherloc (09022015). Collection method: clinical testing. Allele origin: germline.
Comment: This sequence change replaces alanine, which is neutral and non-polar, with valine, which is neutral and non-polar, at codon 142 of the PDSS1 protein (p.Ala142Val). This variant is present in population databases (rs745848548, gnomAD 0.004%). This variant has not been reported in the literature in individuals affected with PDSS1-related conditions. ClinVar contains an entry for this variant (Variation ID: 1960447). Invitae Evidence Modeling of protein sequence and biophysical properties (such as structural, functional, and spatial information, amino acid conservation, physicochemical variation, residue mobility, and thermodynamic stability) indicates that this missense variant is not expected to disrupt PDSS1 protein function with a negative predictive value of 80%. In summary, the available evidence is currently insufficient to determine the role of this variant in disease. Therefore, it has been classified as a Variant of Uncertain Significance.

NM_014317.5(PDSS1):c.425C>T (p.Ala142Val)

Gene: PDSS1 (decaprenyl diphosphate synthase subunit 1; plus strand). Cytogenetic location: 10p12.1.
Variant type: single nucleotide variant.
Coding change: c.425C>T on transcript NM_014317.5 (MANE Select); coding-DNA position 425, C replaced by T.
Protein change: p.Ala142Val; replaces alanine 142 with valine.
Molecular consequence: missense variant. On other transcripts: 5 prime UTR variant (1).
Genome position (GRCh38, 1-based): chr10:26,709,726, C>T. VCF-style: chr10-26709726-C-T. GRCh37 (hg19) VCF-style: chr10-26998655-C-T.
Other names: c.425C>T, p.Ala142Val (NM_001321978.2); c.-169C>T (NM_001321979.2); short protein forms A142V.
Identifiers: ClinVar variation 1960447 (VCV001960447.3), dbSNP rs745848548, ClinGen allele CA5446928.
Genomic context (GRCh38, chr10:26,709,726, plus strand): 5'-AGGAAATGTCTGAGTACTACTTTGATGGGAAAGGGAAAGCCTTTCGACCAATTATTGTGG[C>T]GCTAATGGCCCGAGCATGCAATATTCATCATAACAACTCCCGGTGAGCTCTTTTTTTCAT-3'
Protein context (NP_055132.2, residues 132-152): KGKAFRPIIV[Ala142Val]LMARACNIHH